The following is an entry in ClinVar:

NC_000017.10:g.(?_3392519)_(3397763_?)del

Gene: ASPA (aspartoacylase; plus strand). Cytogenetic location: 17p13.2.
Variant type: Deletion.
Identifiers: ClinVar variation 1071506 (VCV001071506.2).

ClinVar aggregate classification (germline): Pathogenic (1 of 4 stars; one submission).

Conditions:
Spongy degeneration of central nervous system. Also called: Canavan disease; Von Bogaert-Bertrand disease; AMINOACYLASE 2 DEFICIENCY; ACY2 DEFICIENCY; ASP DEFICIENCY; ASPA DEFICIENCY. Identifiers: Orphanet 141, MedGen C0206307, MONDO:0010079, OMIM 271900.

Submission:

Labcorp Genetics (formerly Invitae), Labcorp
Classification: Pathogenic for Spongy degeneration of central nervous system. Last evaluated: 2022-10-08. Review status: criteria provided, single submitter. Criteria: Invitae Variant Classification Sherloc (09022015). Collection method: clinical testing. Allele origin: germline.
Comment: This variant is a gross deletion of the genomic region encompassing exon(s) 4-5 of the ASPA gene. While this deletion is not anticipated to lead to nonsense mediated decay, it is expected to disrupt the C-terminus of the protein. A similar copy number variant has been observed in individual(s) with Canavan disease (PMID: 16854607). In at least one individual the data is consistent with being in trans (on the opposite chromosome) from a pathogenic variant. This variant disrupts the p.Pro181 amino acid residue in ASPA. Other variant(s) that disrupt this residue have been determined to be pathogenic (PMID: 10909858, 12638939, 16854607, 22750302, 22850825). This suggests that this residue is clinically significant, and that variants that disrupt this residue are likely to be disease-causing. For these reasons, this variant has been classified as Pathogenic.

Literature cited by the submitters: PubMed 16854607; PubMed 10909858; PubMed 12638939; PubMed 22750302; PubMed 22850825.